The following is an entry in ClinVar:

NM_182914.3(SYNE2):c.20164C>T (p.Leu6722Phe)

Gene: SYNE2 (spectrin repeat containing nuclear envelope protein 2; plus strand). Cytogenetic location: 14q23.2.
Variant type: single nucleotide variant.
Coding change: c.20164C>T on transcript NM_182914.3 (MANE Select); coding-DNA position 20164, C replaced by T.
Protein change: p.Leu6722Phe; replaces leucine 6722 with phenylalanine.
Molecular consequence: missense variant.
Genome position (GRCh38, 1-based): chr14:64,221,678, C>T. VCF-style: chr14-64221678-C-T. GRCh37 (hg19) VCF-style: chr14-64688396-C-T.
Other names: c.20095C>T, p.Leu6699Phe (NM_015180.6); c.730C>T, p.Leu244Phe (NM_182910.2); c.1108C>T, p.Leu370Phe (NM_182913.4); short protein forms L244F, L370F, L6699F, L6722F.
Identifiers: ClinVar variation 3344804 (VCV003344804.1).

ClinVar aggregate classification (germline): Uncertain significance (0 of 4 stars; one submission).

Conditions:
SYNE2-related disorder. Also called: SYNE2-related condition.

Submission:

PreventionGenetics, part of Exact Sciences
Classification: Uncertain significance for SYNE2-related condition. Last evaluated: 2024-07-20. Review status: no assertion criteria provided. Collection method: clinical testing. Allele origin: germline.
Comment: The SYNE2 c.20164C>T variant is predicted to result in the amino acid substitution p.Leu6722Phe. To our knowledge, this variant has not been reported in the literature or in a large population database, indicating this variant is rare. At this time, the clinical significance of this variant is uncertain due to the absence of conclusive functional and genetic evidence.